The following is an entry in ClinVar:

NM_144670.6(A2ML1):c.3209A>G (p.Gln1070Arg)

Gene: A2ML1 (alpha-2-macroglobulin like 1; plus strand). Cytogenetic location: 12p13.31.
Variant type: single nucleotide variant.
Coding change: c.3209A>G on transcript NM_144670.6 (MANE Select); coding-DNA position 3209, A replaced by G.
Protein change: p.Gln1070Arg; replaces glutamine 1070 with arginine.
Molecular consequence: missense variant.
Genome position (GRCh38, 1-based): chr12:8,858,047, A>G. VCF-style: chr12-8858047-A-G. GRCh37 (hg19) VCF-style: chr12-9010643-A-G.
Other names: c.1736A>G, p.Gln579Arg (NM_001282424.3); short protein forms Q1070R, Q579R.
Identifiers: ClinVar variation 4749440 (VCV004749440.1).

ClinVar aggregate classification (germline): Uncertain significance (1 of 4 stars; one submission).

Submission:

Labcorp Genetics (formerly Invitae), Labcorp
Classification: Uncertain significance. Last evaluated: 2025-10-01. Review status: criteria provided, single submitter. Criteria: Invitae Variant Classification Sherloc (09022015). Collection method: clinical testing. Allele origin: germline.
Comment: This sequence change replaces glutamine, which is neutral and polar, with arginine, which is basic and polar, at codon 1070 of the A2ML1 protein (p.Gln1070Arg). This variant is not present in population databases (gnomAD no frequency). This variant has not been reported in the literature in individuals affected with A2ML1-related conditions. An algorithm developed to predict the effect of missense changes on protein structure and function (PolyPhen-2) suggests that this variant is likely to be disruptive. In summary, the available evidence is currently insufficient to determine the role of this variant in disease. Therefore, it has been classified as a Variant of Uncertain Significance.